The following is an entry in ClinVar:

NM_000257.4(MYH7):c.3094G>A (p.Asp1032Asn)

Gene: MYH7 (myosin heavy chain 7; minus strand). Cytogenetic location: 14q11.2.
Variant type: single nucleotide variant.
Coding change: c.3094G>A on transcript NM_000257.4 (MANE Select); coding-DNA position 3094, G replaced by A.
Protein change: p.Asp1032Asn; replaces aspartic acid 1032 with asparagine.
Molecular consequence: missense variant.
Genome position (GRCh38, 1-based): chr14:23,423,552, C>T on the plus strand (G>A on the coding strand, the complement: MYH7 is on the minus strand). VCF-style: chr14-23423552-C-T. GRCh37 (hg19) VCF-style: chr14-23892761-C-T.
Other names: p.D1032N:GAT>AAT; c.3094G>A (LRG_384t1); short protein forms D1032N.
Identifiers: ClinVar variation 181212 (VCV000181212.13), dbSNP rs730880765, ClinGen allele CA013351.

ClinVar aggregate classification (germline): Uncertain significance. Review status: criteria provided, multiple submitters, no conflicts (2 of 4 stars). 6 submissions from 6 submitters: Uncertain significance (6). Last evaluated 2025-10-07.

Conditions:
Cardiovascular phenotype. Identifiers: MedGen CN230736.
Cardiomyopathy (CMYO). Also called: Cardiomyopathies. Identifiers: Orphanet 167848, MedGen C0878544, MONDO:0004994, HP:0001638. Inheritance: Various modes of inheritance.
Hypertrophic cardiomyopathy. Also called: HYPERTROPHIC MYOCARDIOPATHY. Identifiers: Orphanet 217569, MedGen C0007194, MeSH D002312, MONDO:0005045, HP:0001639.

Allele frequency attached by ClinVar (database versions not stated): gnomAD 0.00001; gnomAD exomes 0.00001; ExAC 0.00002; TOPMed 0.00002.
gnomAD v4.1: 5 of 1,612,972 alleles (0.00031%); highest among the groups gnomAD compares: African/African-American, 0.0067%; no homozygotes.

Submissions (6):

Color Diagnostics, LLC DBA Color Health
Classification: Uncertain significance for Cardiomyopathy. Last evaluated: 2025-10-07. Review status: criteria provided, single submitter. Criteria: ACMG Guidelines, 2015. Collection method: clinical testing. Allele origin: germline.
Comment: This missense variant replaces aspartic acid with asparagine at codon 1032 of the MYH7 protein. Computational prediction is inconclusive regarding the impact of this variant on protein structure and function. To our knowledge, functional studies have not been reported for this variant. This variant has not been reported in individuals affected with MYH7-related disorders in the literature. This variant has been identified in 5/1612972 chromosomes in the general population by the Genome Aggregation Database (gnomAD). The available evidence is insufficient to determine the role of this variant in disease conclusively. Therefore, this variant is classified as a Variant of Uncertain Significance.

GeneDx
Classification: Uncertain significance. Last evaluated: 2025-04-29. Review status: criteria provided, single submitter. Criteria: GeneDx Variant Classification Process June 2021. Collection method: clinical testing. Allele origin: germline. Affected: yes.
Comment: Not observed at significant frequency in large population cohorts (gnomAD); In silico analysis supports that this missense variant has a deleterious effect on protein structure/function; This variant is associated with the following publications: (PMID: 33722762, 34542152)

All of Us Research Program, National Institutes of Health
Classification: Uncertain significance for Cardiomyopathy. Last evaluated: 2023-12-01. Review status: criteria provided, single submitter. Criteria: ACMG Guidelines, 2015. Collection method: clinical testing. Allele origin: germline. Inheritance: Autosomal dominant inheritance. Observed: 2 variant alleles, 2 heterozygotes.
Comment: This study involves interpretation of variants in research participants for the purpose of population health screening. Participant phenotype was not available at the time of variant classification. Additional details can be found in publication PMID: 35346344, PMCID: PMC8962531

Ambry Genetics
Classification: Uncertain significance for Cardiovascular phenotype. Last evaluated: 2023-11-03. Review status: criteria provided, single submitter. Criteria: Ambry Variant Classification Scheme 2023. Collection method: clinical testing. Allele origin: germline.
Comment: The p.D1032N variant (also known as c.3094G>A), located in coding exon 22 of the MYH7 gene, results from a G to A substitution at nucleotide position 3094. The aspartic acid at codon 1032 is replaced by asparagine, an amino acid with highly similar properties. This amino acid position is highly conserved in available vertebrate species. In addition, the in silico prediction for this alteration is inconclusive. Since supporting evidence is limited at this time, the clinical significance of this alteration remains unclear.

Labcorp Genetics (formerly Invitae), Labcorp
Classification: Uncertain significance for Hypertrophic cardiomyopathy. Last evaluated: 2021-11-15. Review status: criteria provided, single submitter. Criteria: Invitae Variant Classification Sherloc (09022015). Collection method: clinical testing. Allele origin: germline.
Comment: In summary, the available evidence is currently insufficient to determine the role of this variant in disease. Therefore, it has been classified as a Variant of Uncertain Significance. Algorithms developed to predict the effect of missense changes on protein structure and function are either unavailable or do not agree on the potential impact of this missense change (SIFT: "Deleterious"; PolyPhen-2: "Possibly Damaging"; Align-GVGD: "Class C0"). ClinVar contains an entry for this variant (Variation ID: 181212). This variant has not been reported in the literature in individuals affected with MYH7-related conditions. This variant is present in population databases (rs730880765, gnomAD 0.02%). This sequence change replaces aspartic acid, which is acidic and polar, with asparagine, which is neutral and polar, at codon 1032 of the MYH7 protein (p.Asp1032Asn).

Revvity Omics, Revvity
Classification: Uncertain significance. Last evaluated: 2021-04-07. Review status: criteria provided, single submitter. Criteria: ACMG Guidelines, 2015. Collection method: clinical testing. Allele origin: germline.

Literature cited by the submitters: PubMed 34542152 (cited by Ambry Genetics).